The following is an entry in ClinVar:

ClinVar aggregate classification (germline): Pathogenic. Review status: criteria provided, multiple submitters, no conflicts (2 of 4 stars). 3 submissions from 3 submitters: Pathogenic (3). Last evaluated 2023-08-23.

Conditions:
Congenital dyserythropoietic anemia, type II (CDAN2). Also called: DYSERYTHROPOIETIC ANEMIA, HEMPAS TYPE. Identifiers: Orphanet 98873, MedGen C1306589, MONDO:0009134, OMIM 224100.
Cowden syndrome 7 (CWS7). Identifiers: Orphanet 201, MedGen C4225179, MONDO:0014802, OMIM 616858.

Allele frequency attached by ClinVar (database versions not stated): gnomAD exomes 0.00001 and 0.00003; ExAC 0.00004.
gnomAD v4.1: 17 of 1,610,934 alleles (0.0011%); highest among the groups gnomAD compares: East Asian, 0.0022%; no homozygotes.

Submissions (3):

Labcorp Genetics (formerly Invitae), Labcorp
Classification: Pathogenic for Congenital dyserythropoietic anemia, type II; Cowden syndrome 7. Last evaluated: 2023-08-23. Review status: criteria provided, single submitter. Criteria: Invitae Variant Classification Sherloc (09022015). Collection method: clinical testing. Allele origin: germline.
Comment: This sequence change creates a premature translational stop signal (p.Arg123*) in the SEC23B gene. It is expected to result in an absent or disrupted protein product. Loss-of-function variants in SEC23B are known to be pathogenic (PMID: 19561605, 25044164). This variant is present in population databases (rs775380378, gnomAD 0.006%). For these reasons, this variant has been classified as Pathogenic. ClinVar contains an entry for this variant (Variation ID: 1686174). This premature translational stop signal has been observed in individual(s) with congenital dyserythropoietic anemia type II (PMID: 20941788, 22208203).

Mendelics
Classification: Pathogenic for Congenital dyserythropoietic anemia, type II. Last evaluated: 2022-05-04. Review status: criteria provided, single submitter. Criteria: Mendelics Assertion Criteria 2019. Collection method: clinical testing. Allele origin: germline.

Fulgent Genetics
Classification: Pathogenic for Congenital dyserythropoietic anemia, type II; Cowden syndrome 7. Last evaluated: 2022-02-26. Review status: criteria provided, single submitter. Criteria: ACMG Guidelines, 2015. Collection method: clinical testing. Allele origin: unknown.

Literature cited by the submitters: PubMed 19561605 (cited by Labcorp Genetics (formerly Invitae), Labcorp); PubMed 25044164 (cited by Labcorp Genetics (formerly Invitae), Labcorp); PubMed 20941788 (cited by Labcorp Genetics (formerly Invitae), Labcorp); PubMed 22208203 (cited by Labcorp Genetics (formerly Invitae), Labcorp).

NM_006363.6(SEC23B):c.367C>T (p.Arg123Ter)

Genes: SEC23B (SEC23 homolog B, COPII component; plus strand), LOC126862987 (MED14-independent group 3 enhancer GRCh37_chr20:18504796-18505995; plus strand). Cytogenetic location: 20p11.23.
Variant type: single nucleotide variant.
Coding change: c.367C>T on transcript NM_006363.6 (MANE Select); coding-DNA position 367, C replaced by T.
Protein change: p.Arg123Ter; replaces arginine 123 with a stop codon.
Molecular consequence: nonsense. On other transcripts: intron variant (1).
Genome position (GRCh38, 1-based): chr20:18,524,433, C>T. VCF-style: chr20-18524433-C-T. GRCh37 (hg19) VCF-style: chr20-18505077-C-T.
Other names: c.367C>T, p.Arg123Ter (NM_001172745.3, NM_032985.6, NM_032986.5); c.367-54C>T (NM_001172746.3); short protein forms R123*.
Identifiers: ClinVar variation 1686174 (VCV001686174.5), dbSNP rs775380378, ClinGen allele CA9778023.